The following is an entry in ClinVar:

NM_178499.5(CCDC60):c.884-8_884-6del

Genes: PRKAB1-AS1 (PRKAB1, TMEM233 and CCDC60 antisense RNA 1; minus strand), CCDC60 (coiled-coil domain containing 60; plus strand). Cytogenetic location: 12q24.23.
Variant type: Deletion.
Coding change: c.884-8_884-6del on transcript NM_178499.5 (MANE Select); 8 bases into the intron before coding-DNA position 884 through 6 bases into the intron before coding-DNA position 884, 3 bases deleted (CTC; older notation c.884-8_884-6delCTC).
Molecular consequence: intron variant.
Genome position (GRCh38, 1-based): chr12:119,516,615-119,516,617, CTC deleted. VCF-style (leftmost placement, unchanged base first): chr12-119516614-TCTC-T. GRCh37 (hg19) VCF-style: chr12-119954419-TCTC-T.
Identifiers: ClinVar variation 4880067 (VCV004880067.1).
Genomic context (GRCh38, chr12:119,516,614, plus strand): 5'-ACCCTGTTCTGCACAATCCTGTCTCAGGGGTGGCTTCTGGTCAAGGGTGACCTCTCATAT[TCTC>T]ATCAGATCTGCAGAAGCTCCTGGAGATGGTTCGGGAAGATGCCCGGAGGACAGTCACAAT-3'

ClinVar aggregate classification (germline): Uncertain significance (1 of 4 stars; one submission).

Conditions:
Primary ciliary dyskinesia. Also called: Ciliary dyskinesia. Identifiers: Orphanet 244, MedGen C0008780, MONDO:0016575, HP:0012265.

Submission:

Department of Human Genetics, Hannover Medical School
Classification: Uncertain significance for Primary Ciliary Dyskinesia. Last evaluated: 2026-04-01. Review status: criteria provided, single submitter. Criteria: ACMG Guidelines, 2015. Collection method: research. Allele origin: germline. Affected: no.
Comment: Classification performed by HerediClassify using the following criteria:['PM2_supporting: Variant occures does not occur as homozygous in gnomAD.', 'PP3_splicing_supporting: Variant is predicted to have a splice effect by SpliceAI with evidence strength supporting.', "PP4_moderate: The modified PICADAR socre of 7.0 exceeds threshold of 5 achieving 'strong' evidence strength."]